The following is an entry in ClinVar:

ClinVar aggregate classification (germline): Pathogenic (1 of 4 stars; one submission).

Conditions:
Retinoblastoma (RB1). Also called: RETINOBLASTOMA, SOMATIC. Identifiers: Orphanet 790, MedGen C0035335, MeSH D012175, MONDO:0008380, OMIM 180200, HP:0009919. Disease mechanism: loss of function. Inheritance: Both sporadic and heritable forms are tested..

Submission:

Labcorp Genetics (formerly Invitae), Labcorp
Classification: Pathogenic for Retinoblastoma. Last evaluated: 2025-10-09. Review status: criteria provided, single submitter. Criteria: Invitae Variant Classification Sherloc (09022015). Collection method: clinical testing. Allele origin: germline.
Comment: This sequence change creates a premature translational stop signal (p.Ile441Leufs*16) in the RB1 gene. It is expected to result in an absent or disrupted protein product. Loss-of-function variants in RB1 are known to be pathogenic (PMID: 17096365). This variant is not present in population databases (gnomAD no frequency). This premature translational stop signal has been observed in individual(s) with retinoblastoma (PMID: 14769601). For these reasons, this variant has been classified as Pathogenic.

Literature cited by the submitters: PubMed 17096365; PubMed 14769601.

NM_000321.3(RB1):c.1321del (p.Ile441fs)

Gene: RB1 (RB transcriptional corepressor 1; plus strand). Cytogenetic location: 13q14.2.
Variant type: Deletion.
Coding change: c.1321del on transcript NM_000321.3 (MANE Select); coding-DNA position 1321, one base deleted (A; older notation c.1321delA).
Protein change: p.Ile441fs; shifts the reading frame from isoleucine 441.
Molecular consequence: frameshift variant.
Genome position (GRCh38, 1-based): chr13:48,377,023, A deleted; the last of 3 consecutive A bases (chr13:48,377,021-48,377,023); deleting any one gives the same sequence. VCF-style (leftmost placement, unchanged base first): chr13-48377020-GA-G. GRCh37 (hg19) VCF-style: chr13-48951156-GA-G.
Other names: c.1321del, p.Ile441fs (NM_001407165.1, NM_001407166.1); short protein forms I441fs.
Identifiers: ClinVar variation 4710089 (VCV004710089.1).